The following is an entry in ClinVar:

NM_018558.4(GABRQ):c.483C>T (p.Arg161=)

Genes: GABRQ (gamma-aminobutyric acid type A receptor subunit theta; plus strand), MAGEA3-DT (MAGEA3 divergent transcript; minus strand). Cytogenetic location: Xq28.
Variant type: single nucleotide variant.
Coding change: c.483C>T on transcript NM_018558.4 (MANE Select); coding-DNA position 483, C replaced by T.
Protein change: p.Arg161=; no amino-acid change (arginine 161 retained).
Molecular consequence: synonymous variant.
Genome position (GRCh38, 1-based): chrX:152,647,124, C>T. VCF-style: chrX-152647124-C-T. GRCh37 (hg19) VCF-style: chrX-151815585-C-T.
Identifiers: ClinVar variation 2661667 (VCV002661667.24), dbSNP rs1930909080, ClinGen allele CA518870222.

ClinVar aggregate classification (germline): Likely benign (1 of 4 stars; one submission).

Allele frequency attached by ClinVar (database versions not stated): gnomAD 0.00001; gnomAD exomes 0.00001.
gnomAD v4.1: 15 of 1,208,747 alleles (0.0012%); highest among the groups gnomAD compares: South Asian, 0.0018%; no homozygotes.

Submission:

CeGaT Center for Human Genetics Tuebingen
Classification: Likely benign. Last evaluated: 2022-11-01. Review status: criteria provided, single submitter. Criteria: CeGaT Center For Human Genetics Tuebingen Variant Classification Criteria Version 2. Collection method: clinical testing. Allele origin: germline. Affected: yes. Observed: 1 variant allele.
Comment: GABRQ: BP4, BP7